The following is an entry in ClinVar:

ClinVar aggregate classification (germline): Uncertain significance (1 of 4 stars; one submission).

Submission:

Labcorp Genetics (formerly Invitae), Labcorp
Classification: Uncertain significance. Last evaluated: 2023-11-21. Review status: criteria provided, single submitter. Criteria: Invitae Variant Classification Sherloc (09022015). Collection method: clinical testing. Allele origin: germline.
Comment: This sequence change creates a premature translational stop signal (p.Met671Valfs*65) in the WDR36 gene. It is expected to result in an absent or disrupted protein product. However, the current clinical and genetic evidence is not sufficient to establish whether loss-of-function variants in WDR36 cause disease. This variant is not present in population databases (gnomAD no frequency). This variant has not been reported in the literature in individuals affected with WDR36-related conditions. In summary, the available evidence is currently insufficient to determine the role of this variant in disease. Therefore, it has been classified as a Variant of Uncertain Significance.

NM_139281.3(WDR36):c.1843_1844del (p.Met615fs)

Gene: WDR36 (WD repeat domain 36; plus strand). Cytogenetic location: 5q22.1.
Variant type: Deletion.
Coding change: c.1843_1844del on transcript NM_139281.3 (MANE Select); coding-DNA positions 1843 to 1844, 2 bases deleted (AT; older notation c.1843_1844delAT).
Protein change: p.Met615fs; shifts the reading frame from methionine 615.
Molecular consequence: frameshift variant.
Genome position (GRCh38, 1-based): chr5:111,119,059-111,119,060, AT deleted; deleting any 2 consecutive bases within chr5:111,119,058-111,119,060 gives the same sequence; the c. name uses the placement nearest the transcript's 3' end. VCF-style (leftmost placement, unchanged base first): chr5-111119057-CTA-C. GRCh37 (hg19) VCF-style: chr5-110454755-CTA-C.
Other names: short protein forms M615fs.
Identifiers: ClinVar variation 2698021 (VCV002698021.3), dbSNP rs2531820482, ClinGen allele CA2674832897.